The following is an entry in ClinVar:

NM_014314.4(RIGI):c.2467G>A (p.Val823Ile)

Genes: RIGI (RNA sensor RIG-I; minus strand), LOC101060445 (uncharacterized LOC101060445; plus strand). Cytogenetic location: 9p21.1.
Variant type: single nucleotide variant.
Coding change: c.2467G>A on transcript NM_014314.4 (MANE Select); coding-DNA position 2467, G replaced by A.
Protein change: p.Val823Ile; replaces valine 823 with isoleucine.
Molecular consequence: missense variant.
Genome position (GRCh38, 1-based): chr9:32,459,385, C>T on the plus strand (G>A on the coding strand, the complement: RIGI is on the minus strand). VCF-style: chr9-32459385-C-T. GRCh37 (hg19) VCF-style: chr9-32459383-C-T.
Other names: c.1858G>A, p.Val620Ile (NM_001385912.1); c.2452G>A, p.Val818Ile (NM_001385913.1); c.2461G>A, p.Val821Ile (NM_001385907.1); c.2296G>A, p.Val766Ile (NM_001385909.1); c.2026G>A, p.Val676Ile (NM_001385910.1); c.2023G>A, p.Val675Ile (NM_001385914.1); short protein forms V676I, V766I, V818I, V675I, V821I, V620I, V823I.
Identifiers: ClinVar variation 2076839 (VCV002076839.4), dbSNP rs755657492, ClinGen allele CA5019494.

ClinVar aggregate classification (germline): Uncertain significance (1 of 4 stars; one submission).

Allele frequency attached by ClinVar (database versions not stated): TOPMed below 0.00001; ExAC 0.00001.
gnomAD v4.1: 17 of 1,613,498 alleles (0.0011%); highest among the groups gnomAD compares: East Asian, 0.0022%; no homozygotes.

Submission:

Labcorp Genetics (formerly Invitae), Labcorp
Classification: Uncertain significance. Last evaluated: 2023-11-20. Review status: criteria provided, single submitter. Criteria: Invitae Variant Classification Sherloc (09022015). Collection method: clinical testing. Allele origin: germline.
Comment: This sequence change replaces valine, which is neutral and non-polar, with isoleucine, which is neutral and non-polar, at codon 823 of the DDX58 protein (p.Val823Ile). This variant is present in population databases (rs755657492, gnomAD 0.003%). This variant has not been reported in the literature in individuals affected with DDX58-related conditions. ClinVar contains an entry for this variant (Variation ID: 2076839). Advanced modeling of protein sequence and biophysical properties (such as structural, functional, and spatial information, amino acid conservation, physicochemical variation, residue mobility, and thermodynamic stability) performed at Invitae indicates that this missense variant is not expected to disrupt DDX58 protein function with a negative predictive value of 80%. In summary, the available evidence is currently insufficient to determine the role of this variant in disease. Therefore, it has been classified as a Variant of Uncertain Significance.